The following is an entry in ClinVar:

NM_002471.4(MYH6):c.1650G>C (p.Lys550Asn)

Gene: MYH6 (myosin heavy chain 6; minus strand). Cytogenetic location: 14q11.2.
Variant type: single nucleotide variant.
Coding change: c.1650G>C on transcript NM_002471.4 (MANE Select); coding-DNA position 1650, G replaced by C.
Protein change: p.Lys550Asn; replaces lysine 550 with asparagine.
Molecular consequence: missense variant.
Genome position (GRCh38, 1-based): chr14:23,398,969, C>G on the plus strand (G>C on the coding strand, the complement: MYH6 is on the minus strand). VCF-style: chr14-23398969-C-G. GRCh37 (hg19) VCF-style: chr14-23868178-C-G.
Other names: short protein forms K550N.
Identifiers: ClinVar variation 1777255 (VCV001777255.8), dbSNP rs775372834, ClinGen allele CA7115730.

ClinVar aggregate classification (germline): Uncertain significance. Review status: criteria provided, multiple submitters, no conflicts (2 of 4 stars). 3 submissions from 3 submitters: Uncertain significance (3). Last evaluated 2023-12-31.

Conditions:
Cardiovascular phenotype. Identifiers: MedGen CN230736.
Hypertrophic cardiomyopathy 14. Identifiers: MedGen C2750467, MONDO:0013197, OMIM 613251.

Allele frequency attached by ClinVar (database versions not stated): ExAC 0.00001; gnomAD 0.00001; TOPMed 0.00001; gnomAD exomes 0.00002.

Submissions (3):

Ambry Genetics
Classification: Uncertain significance for Cardiovascular phenotype. Last evaluated: 2023-12-31. Review status: criteria provided, single submitter. Criteria: Ambry Variant Classification Scheme 2023. Collection method: clinical testing. Allele origin: germline.
Comment: The p.K550N variant (also known as c.1650G>C), located in coding exon 13 of the MYH6 gene, results from a G to C substitution at nucleotide position 1650. The lysine at codon 550 is replaced by asparagine, an amino acid with similar properties. This amino acid position is highly conserved in available vertebrate species. In addition, this alteration is predicted to be tolerated by in silico analysis. Since supporting evidence is limited at this time, the clinical significance of this alteration remains unclear.

Labcorp Genetics (formerly Invitae), Labcorp
Classification: Uncertain significance for Hypertrophic cardiomyopathy 14. Last evaluated: 2023-05-22. Review status: criteria provided, single submitter. Criteria: Invitae Variant Classification Sherloc (09022015). Collection method: clinical testing. Allele origin: germline.
Comment: This sequence change replaces lysine, which is basic and polar, with asparagine, which is neutral and polar, at codon 550 of the MYH6 protein (p.Lys550Asn). This variant is present in population databases (rs775372834, gnomAD 0.0009%). This variant has not been reported in the literature in individuals affected with MYH6-related conditions. ClinVar contains an entry for this variant (Variation ID: 1777255). Advanced modeling of protein sequence and biophysical properties (such as structural, functional, and spatial information, amino acid conservation, physicochemical variation, residue mobility, and thermodynamic stability) has been performed at Invitae for this missense variant, however the output from this modeling did not meet the statistical confidence thresholds required to predict the impact of this variant on MYH6 protein function. In summary, the available evidence is currently insufficient to determine the role of this variant in disease. Therefore, it has been classified as a Variant of Uncertain Significance.

Blueprint Genetics
Classification: Uncertain significance. Last evaluated: 2021-06-30. Review status: criteria provided, single submitter. Criteria: ACMG Guidelines, 2015. Collection method: clinical testing. Allele origin: germline.